The following is an entry in ClinVar:

ClinVar aggregate classification (germline): Pathogenic (1 of 4 stars; one submission).

Submission:

Labcorp Genetics (formerly Invitae), Labcorp
Classification: Pathogenic. Last evaluated: 2023-08-11. Review status: criteria provided, single submitter. Criteria: Invitae Variant Classification Sherloc (09022015). Collection method: clinical testing. Allele origin: germline.
Comment: For these reasons, this variant has been classified as Pathogenic. This variant has not been reported in the literature in individuals affected with SLC4A11-related conditions. This variant is not present in population databases (gnomAD no frequency). This sequence change creates a premature translational stop signal (p.Tyr599*) in the SLC4A11 gene. It is expected to result in an absent or disrupted protein product. Loss-of-function variants in SLC4A11 are known to be pathogenic (PMID: 17220209, 17679935).

Literature cited by the submitters: PubMed 17220209; PubMed 17679935.

NM_001174089.2(SLC4A11):c.1749C>A (p.Tyr583Ter)

Gene: SLC4A11 (solute carrier family 4 member 11; minus strand). Cytogenetic location: 20p13.
Variant type: single nucleotide variant.
Coding change: c.1749C>A on transcript NM_001174089.2 (MANE Select); coding-DNA position 1749, C replaced by A.
Protein change: p.Tyr583Ter; replaces tyrosine 583 with a stop codon.
Molecular consequence: nonsense. On other transcripts: non-coding transcript variant (3).
Genome position (GRCh38, 1-based): chr20:3,229,446, G>T on the plus strand (C>A on the coding strand, the complement: SLC4A11 is on the minus strand). VCF-style: chr20-3229446-G-T. GRCh37 (hg19) VCF-style: chr20-3210092-G-T.
Other names: c.1878C>A, p.Tyr626Ter (NM_001174090.2); c.1635C>A, p.Tyr545Ter (NM_001363745.2); c.1692C>A, p.Tyr564Ter (NM_001400277.1, NM_001400278.1, NM_001400279.1); c.1764C>A, p.Tyr588Ter (NM_001400280.1); c.1797C>A, p.Tyr599Ter (NM_032034.4); short protein forms Y564*, Y583*, Y588*, Y545*, Y626*, Y599*.
Identifiers: ClinVar variation 2751895 (VCV002751895.3), dbSNP rs2067676221, ClinGen allele CA408087780.